The following is an entry in ClinVar:

NM_024422.6(DSC2):c.2620G>A (p.Glu874Lys)

Gene: DSC2 (desmocollin 2; minus strand). Cytogenetic location: 18q12.1.
Variant type: single nucleotide variant.
Coding change: c.2620G>A on transcript NM_024422.6 (MANE Select); coding-DNA position 2620, G replaced by A.
Protein change: p.Glu874Lys; replaces glutamic acid 874 with lysine.
Molecular consequence: missense variant. On other transcripts: 3 prime UTR variant (1).
Genome position (GRCh38, 1-based): chr18:31,068,101, C>T on the plus strand (G>A on the coding strand, the complement: DSC2 is on the minus strand). VCF-style: chr18-31068101-C-T. GRCh37 (hg19) VCF-style: chr18-28648067-C-T.
Other names: c.*122G>A (NM_004949.5); short protein forms E874K.
Identifiers: ClinVar variation 1332446 (VCV001332446.3), dbSNP rs1395671324, ClinGen allele CA402110339.
Genomic context (GRCh38, chr18:31,068,101, plus strand): 5'-GTGTCCTAAATTTGGGCTCCAAATTATCCAAAAATTCAAGCCCATCTTCTTCTTGTCGTT[C>T]ACTGCAACAACCTACAGACCCAGCCACCGATCCTCTTCCTTCATAGTTATATGTCAGGAC-3'
Protein context (NP_077740.1, residues 864-884): SVAGSVGCCS[Glu874Lys]RQEEDGLEFL

ClinVar aggregate classification (germline): Uncertain significance (1 of 4 stars; one submission).

Conditions:
Cardiomyopathy (CMYO). Also called: Cardiomyopathies. Identifiers: Orphanet 167848, MedGen C0878544, MONDO:0004994, HP:0001638. Inheritance: Various modes of inheritance.

Submission:

Color Diagnostics, LLC DBA Color Health
Classification: Uncertain significance for Cardiomyopathy. Last evaluated: 2024-03-06. Review status: criteria provided, single submitter. Criteria: ACMG Guidelines, 2015. Collection method: clinical testing. Allele origin: germline.
Comment: This missense variant replaces glutamic acid with lysine at codon 874 of the DSC2 protein. Computational prediction suggests that this variant may not impact protein structure and function (internally defined REVEL score threshold <= 0.5, PMID: 27666373). To our knowledge, functional studies have not been reported for this variant. This variant has not been reported in individuals affected with cardiovascular disorders in the literature. This variant has not been identified in the general population by the Genome Aggregation Database (gnomAD). The available evidence is insufficient to determine the role of this variant in disease conclusively. Therefore, this variant is classified as a Variant of Uncertain Significance.